The following is an entry in ClinVar:

NM_024867.4(SPEF2):c.5099C>T (p.Thr1700Met)

Gene: SPEF2 (sperm flagellar and cilia associated 2; plus strand). Cytogenetic location: 5p13.2.
Variant type: single nucleotide variant.
Coding change: c.5099C>T on transcript NM_024867.4 (MANE Select); coding-DNA position 5099, C replaced by T.
Protein change: p.Thr1700Met; replaces threonine 1700 with methionine.
Molecular consequence: missense variant.
Genome position (GRCh38, 1-based): chr5:35,806,795, C>T. VCF-style: chr5-35806795-C-T. GRCh37 (hg19) VCF-style: chr5-35806897-C-T.
Other names: short protein forms T1700M.
Identifiers: ClinVar variation 2211924 (VCV002211924.26), dbSNP rs371139224, ClinGen allele CA3231691.

ClinVar aggregate classification (germline): Conflicting classifications of pathogenicity. Review status: criteria provided, conflicting classifications (1 of 4 stars). 2 submissions from 2 submitters: Uncertain significance (1); Likely benign (1). Last evaluated 2023-07-01.

Conditions:
Inborn genetic diseases. Identifiers: MedGen C0950123, MeSH D030342.

Allele frequency attached by ClinVar (database versions not stated): ExAC 0.00008; ESP Exome Variant Server 0.00008; TOPMed 0.00008; gnomAD 0.00011.
gnomAD v4.1: 49 of 1,613,550 alleles (0.003%); highest among the groups gnomAD compares: African/African-American, 0.029%; 1 homozygote.

Submissions (2):

CeGaT Center for Human Genetics Tuebingen
Classification: Likely benign. Last evaluated: 2023-07-01. Review status: criteria provided, single submitter. Criteria: CeGaT Center For Human Genetics Tuebingen Variant Classification Criteria Version 2. Collection method: clinical testing. Allele origin: germline. Affected: yes. Observed: 1 variant allele.
Comment: SPEF2: BP4

Ambry Genetics
Classification: Uncertain significance for Inborn genetic diseases. Last evaluated: 2022-04-25. Review status: criteria provided, single submitter. Criteria: Ambry Variant Classification Scheme 2023. Collection method: clinical testing. Allele origin: germline.